The following is an entry in ClinVar:

NM_016492.5(RANGRF):c.197A>G (p.Tyr66Cys)

Genes: RANGRF (RAN guanine nucleotide release factor; plus strand), SLC25A35 (solute carrier family 25 member 35; minus strand). Cytogenetic location: 17p13.1.
Variant type: single nucleotide variant.
Coding change: c.197A>G on transcript NM_016492.5 (MANE Select); coding-DNA position 197, A replaced by G.
Protein change: p.Tyr66Cys; replaces tyrosine 66 with cysteine.
Molecular consequence: missense variant. On other transcripts: 3 prime UTR variant (2), non-coding transcript variant (2), intron variant (1).
Genome position (GRCh38, 1-based): chr17:8,289,260, A>G. VCF-style: chr17-8289260-A-G. GRCh37 (hg19) VCF-style: chr17-8192578-A-G.
Other names: c.197A>G, p.Tyr66Cys (NM_001177801.2, NM_001177802.2, NM_001330127.2); c.*223T>C (NM_001320872.2); c.*356T>C (NM_201520.3); c.*42+314T>C (NM_001320871.2); short protein forms Y66C.
Identifiers: ClinVar variation 3719020 (VCV003719020.2).

ClinVar aggregate classification (germline): Uncertain significance (1 of 4 stars; one submission).

Conditions:
Cardiac arrhythmia. Also called: Cardiac rhythm disease; Arrhythmia. Identifiers: MedGen C0003811, MONDO:0007263, HP:0011675.

Submission:

Labcorp Genetics (formerly Invitae), Labcorp
Classification: Uncertain significance for Cardiac arrhythmia. Last evaluated: 2024-10-28. Review status: criteria provided, single submitter. Criteria: Invitae Variant Classification Sherloc (09022015). Collection method: clinical testing. Allele origin: germline.
Comment: This sequence change replaces tyrosine, which is neutral and polar, with cysteine, which is neutral and slightly polar, at codon 66 of the RANGRF protein (p.Tyr66Cys). This variant is not present in population databases (gnomAD no frequency). This variant has not been reported in the literature in individuals affected with RANGRF-related conditions. An algorithm developed to predict the effect of missense changes on protein structure and function (PolyPhen-2) suggests that this variant is likely to be disruptive. In summary, the available evidence is currently insufficient to determine the role of this variant in disease. Therefore, it has been classified as a Variant of Uncertain Significance.